The following is an entry in ClinVar:

ClinVar aggregate classification (germline): Likely benign. Review status: criteria provided, multiple submitters, no conflicts (2 of 4 stars). 2 submissions from 2 submitters: Likely benign (2). Last evaluated 2024-12-01.

gnomAD v4.1: 25 of 1,205,987 alleles (0.0021%); highest among the groups gnomAD compares: Non-Finnish European, 0.0025%; no homozygotes.

Submissions (2):

CeGaT Center for Human Genetics Tuebingen
Classification: Likely benign. Last evaluated: 2024-12-01. Review status: criteria provided, single submitter. Criteria: CeGaT Center For Human Genetics Tuebingen Variant Classification Criteria Version 2. Collection method: clinical testing. Allele origin: germline. Affected: yes. Observed: 1 variant allele.
Comment: CUL4B: BP4, BP7, BS2

Blueprint Genetics
Classification: Likely benign. Last evaluated: 2024-10-08. Review status: criteria provided, single submitter. Criteria: ACMG Guidelines, 2015. Collection method: clinical testing. Allele origin: germline.

NM_001079872.2(CUL4B):c.253C>T (p.Leu85=)

Genes: CUL4B (cullin 4B; minus strand), LOC113845788 (Sharpr-MPRA regulatory region 11856; plus strand). Cytogenetic location: Xq24.
Variant type: single nucleotide variant.
Coding change: c.253C>T on transcript NM_001079872.2 (MANE Select); coding-DNA position 253, C replaced by T.
Protein change: p.Leu85=; no amino-acid change (leucine 85 retained).
Molecular consequence: synonymous variant.
Genome position (GRCh38, 1-based): chrX:120,560,386, G>A on the plus strand (C>T on the coding strand, the complement: CUL4B is on the minus strand). VCF-style: chrX-120560386-G-A. GRCh37 (hg19) VCF-style: chrX-119694241-G-A.
Other names: c.268C>T, p.Leu90= (NM_001330624.2); c.307C>T, p.Leu103= (NM_003588.4).
Identifiers: ClinVar variation 3770783 (VCV003770783.14).